The following is an entry in ClinVar:

ClinVar aggregate classification (germline): Pathogenic (1 of 4 stars; one submission).

Conditions:
Ehlers-Danlos syndrome, classic type (cEDS). Identifiers: Orphanet 287, MedGen C4225429, MONDO:0007522.

Submission:

Labcorp Genetics (formerly Invitae), Labcorp
Classification: Pathogenic for Ehlers-Danlos syndrome, classic type. Last evaluated: 2018-04-16. Review status: criteria provided, single submitter. Criteria: Invitae Variant Classification Sherloc (09022015). Collection method: clinical testing. Allele origin: germline.
Comment: This variant is a gross deletion of the genomic region encompassing exons 15-17 and the first 48 nucleotides of exon 18 of the COL5A1 gene, including the intron 17-exon 18 boundary (c.1720-136_1929delinsACA). This is expected to create a premature translational stop signal and result in an absent or disrupted protein product. This variant has not been reported in the literature in individuals with COL5A1-related disease. Loss-of-function variants in COL5A1 are known to be pathogenic (PMID: 23587214). For these reasons, this variant has been classified as Pathogenic.

NM_000093.5(COL5A1):c.1720-136_1929del

Gene: COL5A1 (collagen type V alpha 1 chain; plus strand). Cytogenetic location: 9q34.3.
Variant type: Deletion.
Coding change: c.1720-136_1929del on transcript NM_000093.5 (MANE Select); 136 bases into the intron before coding-DNA position 1720 through coding-DNA position 1929, 4,577 bases deleted.
Molecular consequence: splice acceptor variant, splice donor variant.
Genome position (GRCh38, 1-based): chr9:134,753,714-134,758,290, 4,577 bases deleted. GRCh37 (hg19): chr9:137,645,560-137,650,136.
Other names: c.1720-136_1929del (NM_001278074.1).
Identifiers: ClinVar variation 573641 (VCV000573641.3), ClinGen allele CA891842584.